The following is an entry in ClinVar:

NM_015910.7(WDPCP):c.1347_1348del (p.Gln451fs)

Gene: WDPCP (WD repeat containing planar cell polarity effector; minus strand). Cytogenetic location: 2p15.
Variant type: Deletion.
Coding change: c.1347_1348del on transcript NM_015910.7 (MANE Select); coding-DNA positions 1347 to 1348, 2 bases deleted (TT; older notation c.1347_1348delTT).
Protein change: p.Gln451fs; shifts the reading frame from glutamine 451.
Molecular consequence: frameshift variant. On other transcripts: non-coding transcript variant (3).
Genome position (GRCh38, 1-based): chr2:63,404,135-63,404,136, AA deleted on the plus strand (TT on the coding strand, the reverse complement: WDPCP is on the minus strand); deleting any 2 consecutive bases within chr2:63,404,135-63,404,137 gives the same sequence; the c. name uses the placement nearest the transcript's 3' end. VCF-style (leftmost placement, unchanged base first): chr2-63404134-GAA-G. GRCh37 (hg19) VCF-style: chr2-63631269-GAA-G.
Other names: c.870_871del, p.Gln292fs (NM_001042692.3); c.1275_1276del, p.Gln427fs (NM_001354044.2); c.1347_1348del, p.Gln451fs (NM_001354045.2); short protein forms Q427fs, Q292fs, Q451fs.
Identifiers: ClinVar variation 936995 (VCV000936995.10), dbSNP rs1694365826, ClinGen allele CA1139657055.

ClinVar aggregate classification (germline): Pathogenic/Likely pathogenic. Review status: criteria provided, multiple submitters, no conflicts (2 of 4 stars). 2 submissions from 2 submitters: Pathogenic (1); Likely pathogenic (1). Last evaluated 2022-07-12.

Conditions:
Bardet-Biedl syndrome (BBS). Identifiers: Orphanet 110, MedGen C0752166, MONDO:0015229.

Submissions (2):

Labcorp Genetics (formerly Invitae), Labcorp
Classification: Pathogenic for Bardet-Biedl syndrome. Last evaluated: 2022-07-12. Review status: criteria provided, single submitter. Criteria: Invitae Variant Classification Sherloc (09022015). Collection method: clinical testing. Allele origin: germline.
Comment: For these reasons, this variant has been classified as Pathogenic. ClinVar contains an entry for this variant (Variation ID: 936995). This variant has not been reported in the literature in individuals affected with WDPCP-related conditions. This variant is not present in population databases (gnomAD no frequency). This sequence change creates a premature translational stop signal (p.Gln451Glufs*3) in the WDPCP gene. It is expected to result in an absent or disrupted protein product. Loss-of-function variants in WDPCP are known to be pathogenic (PMID: 20671153, 25427950, 27158779).

Revvity Omics, Revvity
Classification: Likely pathogenic. Last evaluated: 2021-11-29. Review status: criteria provided, single submitter. Criteria: ACMG Guidelines, 2015. Collection method: clinical testing. Allele origin: germline.

Literature cited by the submitters: PubMed 20671153 (cited by Labcorp Genetics (formerly Invitae), Labcorp); PubMed 25427950 (cited by Labcorp Genetics (formerly Invitae), Labcorp); PubMed 27158779 (cited by Labcorp Genetics (formerly Invitae), Labcorp).